The following is an entry in ClinVar:

ClinVar aggregate classification (germline): Uncertain significance (1 of 4 stars; one submission).

Conditions:
Galactosylceramide beta-galactosidase deficiency. Also called: Leukodystrophy, Globoid Cell; Krabbe Disease; GALACTOCEREBROSIDASE DEFICIENCY; GALC DEFICIENCY; GLOBOID CELL LEUKOENCEPHALOPATHY. Identifiers: Orphanet 487, MedGen C0023521, MONDO:0009499, OMIM 245200.

Allele frequency attached by ClinVar (database versions not stated): gnomAD exomes 0.00001.
gnomAD v4.1: 12 of 1,580,206 alleles (0.00076%); highest among the groups gnomAD compares: Middle Eastern, 0.018%; no homozygotes.

Submission:

Labcorp Genetics (formerly Invitae), Labcorp
Classification: Uncertain significance for Galactosylceramide beta-galactosidase deficiency. Last evaluated: 2022-08-13. Review status: criteria provided, single submitter. Criteria: Invitae Variant Classification Sherloc (09022015). Collection method: clinical testing. Allele origin: germline.
Comment: This sequence change replaces valine, which is neutral and non-polar, with methionine, which is neutral and non-polar, at codon 29 of the GALC protein (p.Val29Met). The frequency data for this variant in the population databases is considered unreliable, as metrics indicate poor data quality at this position in the gnomAD database. This variant has not been reported in the literature in individuals affected with GALC-related conditions. Advanced modeling of protein sequence and biophysical properties (such as structural, functional, and spatial information, amino acid conservation, physicochemical variation, residue mobility, and thermodynamic stability) performed at Invitae indicates that this missense variant is not expected to disrupt GALC protein function. In summary, the available evidence is currently insufficient to determine the role of this variant in disease. Therefore, it has been classified as a Variant of Uncertain Significance.

NM_000153.4(GALC):c.85G>A (p.Val29Met)

Gene: GALC (galactosylceramidase; minus strand). Cytogenetic location: 14q31.3.
Variant type: single nucleotide variant.
Coding change: c.85G>A on transcript NM_000153.4 (MANE Select); coding-DNA position 85, G replaced by A.
Protein change: p.Val29Met; replaces valine 29 with methionine.
Molecular consequence: missense variant. On other transcripts: intron variant (1).
Genome position (GRCh38, 1-based): chr14:87,993,080, C>T on the plus strand (G>A on the coding strand, the complement: GALC is on the minus strand). VCF-style: chr14-87993080-C-T. GRCh37 (hg19) VCF-style: chr14-88459424-C-T.
Other names: c.85G>A, p.Val29Met (NM_001201401.2); c.117+303G>A (NM_001201402.2); short protein forms V29M.
Identifiers: ClinVar variation 1716380 (VCV001716380.3), dbSNP rs1380807200, ClinGen allele CA390771907.